The following is an entry in ClinVar:

NM_016252.4(BIRC6):c.4647T>A (p.Ala1549=)

Gene: BIRC6 (baculoviral IAP repeat containing 6; plus strand). Cytogenetic location: 2p22.3.
Variant type: single nucleotide variant.
Coding change: c.4647T>A on transcript NM_016252.4 (MANE Select); coding-DNA position 4647, T replaced by A.
Protein change: p.Ala1549=; no amino-acid change (alanine 1549 retained).
Molecular consequence: synonymous variant.
Genome position (GRCh38, 1-based): chr2:32,453,836, T>A. VCF-style: chr2-32453836-T-A. GRCh37 (hg19) VCF-style: chr2-32678904-T-A.
Other names: c.4605T>A, p.Ala1535= (NM_001378125.1).
Identifiers: ClinVar variation 710882 (VCV000710882.7), dbSNP rs35205055, ClinGen allele CA1603429.

ClinVar aggregate classification (germline): Benign. Review status: criteria provided, multiple submitters, no conflicts (2 of 4 stars). 3 submissions from 3 submitters: Benign (2). 1 of the submissions does not count toward it. Last evaluated 2019-12-31.

Conditions:
BIRC6-related disorder. Also called: BIRC6-related condition.

Allele frequency attached by ClinVar (database versions not stated): gnomAD exomes 0.00058 and 0.00141; ExAC 0.00181; gnomAD 0.00589 and 0.00620; TOPMed 0.00623; 1000 Genomes Project 0.00659; 1000 Genomes Project 30x 0.00703; ESP Exome Variant Server 0.00753.
gnomAD v4.1: 1,751 of 1,613,808 alleles (0.11%); highest among the groups gnomAD compares: African/African-American, 1.9%; 18 homozygotes.

Submissions (3):

Labcorp Genetics (formerly Invitae), Labcorp
Classification: Benign. Last evaluated: 2019-12-31. Review status: criteria provided, single submitter. Criteria: Invitae Variant Classification Sherloc (09022015). Collection method: clinical testing. Allele origin: germline.

Breakthrough Genomics
Classification: Benign. Review status: criteria provided, single submitter. Criteria: ACMG Guidelines, 2015. Collection method: not provided. Allele origin: germline. Inheritance: Unknown mechanism. Affected: yes.

PreventionGenetics, part of Exact Sciences
Classification: Benign for BIRC6-related condition. Last evaluated: 2019-04-11. Review status: no assertion criteria provided. Collection method: clinical testing. Allele origin: germline. Not counted in ClinVar's aggregate classification.
Comment: This variant is classified as benign based on ACMG/AMP sequence variant interpretation guidelines (Richards et al. 2015 PMID: 25741868, with internal and published modifications).